The following is an entry in ClinVar:

NM_014908.4(DOLK):c.1600A>G (p.Ile534Val)

Gene: DOLK (dolichol kinase; minus strand). Cytogenetic location: 9q34.11.
Variant type: single nucleotide variant.
Coding change: c.1600A>G on transcript NM_014908.4 (MANE Select); coding-DNA position 1600, A replaced by G.
Protein change: p.Ile534Val; replaces isoleucine 534 with valine.
Molecular consequence: missense variant.
Genome position (GRCh38, 1-based): chr9:128,945,704, T>C on the plus strand (A>G on the coding strand, the complement: DOLK is on the minus strand). VCF-style: chr9-128945704-T-C. GRCh37 (hg19) VCF-style: chr9-131707983-T-C.
Other names: short protein forms I534V.
Identifiers: ClinVar variation 1970613 (VCV001970613.4), dbSNP rs2492002346, ClinGen allele CA375115228.

ClinVar aggregate classification (germline): Uncertain significance (1 of 4 stars; one submission).

Conditions:
DK1-congenital disorder of glycosylation. Also called: CONGENITAL DISORDER OF GLYCOSYLATION, TYPE Im; CDG Im; DK1 DEFICIENCY; DOLICHOL KINASE DEFICIENCY; DK1-CDG; DOLK-congenital disorder of glycosylation. Identifiers: Orphanet 91131, MedGen C1835849, MONDO:0012556, OMIM 610768.

Allele frequency attached by ClinVar (database versions not stated): gnomAD exomes below 0.00001.
gnomAD v4.1: 3 of 1,614,018 alleles (0.00019%); highest among the groups gnomAD compares: Admixed American, 0.0033%; no homozygotes.

Submission:

Labcorp Genetics (formerly Invitae), Labcorp
Classification: Uncertain significance for DK1-congenital disorder of glycosylation. Last evaluated: 2022-05-25. Review status: criteria provided, single submitter. Criteria: Invitae Variant Classification Sherloc (09022015). Collection method: clinical testing. Allele origin: germline.
Comment: In summary, the available evidence is currently insufficient to determine the role of this variant in disease. Therefore, it has been classified as a Variant of Uncertain Significance. Algorithms developed to predict the effect of missense changes on protein structure and function are either unavailable or do not agree on the potential impact of this missense change (SIFT: "Tolerated"; PolyPhen-2: "Not Available"; Align-GVGD: "Class C0"). This variant has not been reported in the literature in individuals affected with DOLK-related conditions. This variant is not present in population databases (gnomAD no frequency). This sequence change replaces isoleucine, which is neutral and non-polar, with valine, which is neutral and non-polar, at codon 534 of the DOLK protein (p.Ile534Val).